The following is an entry in ClinVar:

ClinVar aggregate classification (germline): Uncertain significance (1 of 4 stars; one submission).

Allele frequency attached by ClinVar (database versions not stated): gnomAD exomes below 0.00001.
gnomAD v4.1: 2 of 1,563,484 alleles (0.00013%); highest among the groups gnomAD compares: East Asian, 0.0023%; no homozygotes.

Submission:

Ambry Genetics
Classification: Uncertain significance. Last evaluated: 2023-12-31. Review status: criteria provided, single submitter. Criteria: Ambry Variant Classification Scheme 2023. Collection method: clinical testing. Allele origin: germline.
Comment: The p.V1158I variant (also known as c.3472G>A), located in coding exon 4 of the MLH3 gene, results from a G to A substitution at nucleotide position 3472. The valine at codon 1158 is replaced by isoleucine, an amino acid with highly similar properties. This amino acid position is conserved. In addition, this alteration is predicted to be tolerated by in silico analysis. Since supporting evidence is limited at this time, the clinical significance of this alteration remains unclear.

NM_001040108.2(MLH3):c.3472G>A (p.Val1158Ile)

Gene: MLH3 (mutL homolog 3; minus strand). Cytogenetic location: 14q24.3.
Variant type: single nucleotide variant.
Coding change: c.3472G>A on transcript NM_001040108.2 (MANE Select); coding-DNA position 3472, G replaced by A.
Protein change: p.Val1158Ile; replaces valine 1158 with isoleucine.
Molecular consequence: missense variant.
Genome position (GRCh38, 1-based): chr14:75,040,009, C>T on the plus strand (G>A on the coding strand, the complement: MLH3 is on the minus strand). VCF-style: chr14-75040009-C-T. GRCh37 (hg19) VCF-style: chr14-75506712-C-T.
Other names: c.3472G>A, p.Val1158Ile (NM_014381.3); short protein forms V1158I.
Identifiers: ClinVar variation 1731752 (VCV001731752.2), dbSNP rs1274927611, ClinGen allele CA390429140.